The following is an entry in ClinVar:

ClinVar aggregate classification (germline): Likely pathogenic (1 of 4 stars; one submission).

Conditions:
Neurodevelopmental disorder with language impairment and behavioral abnormalities. Also called: GRIA2-related neurodevelopmental disorder. Identifiers: MedGen C5394502, MONDO:0030060, OMIM 618917.

Submission:

Institute for Genomic Medicine, Nationwide Children's Hospital
Classification: Likely pathogenic for Neurodevelopmental disorder with language impairment and behavioral abnormalities. Last evaluated: 2022-04-28. Review status: criteria provided, single submitter. Criteria: ACMG Guidelines, 2015. Collection method: research. Allele origin: de novo. Inheritance: Autosomal dominant inheritance. Affected: yes. Observed: 1 heterozygote.
Comment: The Lys530Met variant has not been reported as a disease-causing variant, nor is it present in public databases of sequence variation (gnomAD and TopMed) to our knowledge. Although this specific amino acid change has not been reported, two other disease-causing variants have been reported at residue 528 (PMID: 31300657). We interpret the variant as likely pathogenic.

NM_001083619.3(GRIA2):c.1589A>T (p.Lys530Met)

Gene: GRIA2 (glutamate ionotropic receptor AMPA type subunit 2; plus strand). Cytogenetic location: 4q32.1.
Variant type: single nucleotide variant.
Coding change: c.1589A>T on transcript NM_001083619.3 (MANE Select); coding-DNA position 1589, A replaced by T.
Protein change: p.Lys530Met; replaces lysine 530 with methionine.
Molecular consequence: missense variant.
Genome position (GRCh38, 1-based): chr4:157,336,492, A>T. VCF-style: chr4-157336492-A-T. GRCh37 (hg19) VCF-style: chr4-158257644-A-T.
Other names: c.1589A>T, p.Lys530Met (NM_000826.6); c.1448A>T, p.Lys483Met (NM_001083620.3, NM_001379000.3, NM_001379001.3); short protein forms K483M, K530M.
Identifiers: ClinVar variation 1679184 (VCV001679184.2), dbSNP rs2126940142, ClinGen allele CA358648132.